The following is an entry in ClinVar:

NM_025207.5(FLAD1):c.1530A>G (p.Ala510=)

Gene: FLAD1 (flavin adenine dinucleotide synthetase 1; plus strand). Cytogenetic location: 1q21.3.
Variant type: single nucleotide variant.
Coding change: c.1530A>G on transcript NM_025207.5 (MANE Select); coding-DNA position 1530, A replaced by G.
Protein change: p.Ala510=; no amino-acid change (alanine 510 retained).
Molecular consequence: synonymous variant.
Genome position (GRCh38, 1-based): chr1:154,990,504, A>G. VCF-style: chr1-154990504-A-G. GRCh37 (hg19) VCF-style: chr1-154962980-A-G.
Other names: c.1530A>G (NM_025207.4); c.1239A>G, p.Ala413= (NM_001184891.2, NM_201398.3).
Identifiers: ClinVar variation 1592455 (VCV001592455.10), dbSNP rs570971151, ClinGen allele CA1134582.
Genomic context (GRCh38, chr1:154,990,504, plus strand): 5'-GACTGACCCCTACTCCTGTAGCCTCTGCCCTTTCAGCCCCACTGACCCAGGCTGGCCCGC[A>G]TTCATGCGCATCAACCCACTGCTGGTAATGGGGAAGAGGGTTTATCACCTTCAGTCTCAC-3'
Protein context (NP_079483.3, residues 500-520): PFSPTDPGWP[Ala510=]FMRINPLLDW

ClinVar aggregate classification (germline): Likely benign. Review status: criteria provided, single submitter (1 of 4 stars). 2 submissions from 2 submitters: Likely benign (1). 1 of the submissions does not count toward it. Last evaluated 2023-09-06.

Conditions:
FLAD1-related disorder. Also called: FLAD1-related condition.

Allele frequency attached by ClinVar (database versions not stated): gnomAD 0.00003.
gnomAD v4.1: 27 of 1,608,528 alleles (0.0017%); highest among the groups gnomAD compares: African/African-American, 0.017%; no homozygotes.

Submissions (2):

Labcorp Genetics (formerly Invitae), Labcorp
Classification: Likely benign. Last evaluated: 2023-09-06. Review status: criteria provided, single submitter. Criteria: Invitae Variant Classification Sherloc (09022015). Collection method: clinical testing. Allele origin: germline.

PreventionGenetics, part of Exact Sciences
Classification: Likely benign for FLAD1-related condition. Last evaluated: 2020-11-25. Review status: no assertion criteria provided. Collection method: clinical testing. Allele origin: germline. Not counted in ClinVar's aggregate classification.
Comment: This variant is classified as likely benign based on ACMG/AMP sequence variant interpretation guidelines (Richards et al. 2015 PMID: 25741868, with internal and published modifications).